The following is an entry in ClinVar:

NM_033004.4(NLRP1):c.3326G>A (p.Arg1109His)

Gene: NLRP1 (NLR family pyrin domain containing 1; minus strand). Cytogenetic location: 17p13.2.
Variant type: single nucleotide variant.
Coding change: c.3326G>A on transcript NM_033004.4 (MANE Select); coding-DNA position 3326, G replaced by A.
Protein change: p.Arg1109His; replaces arginine 1109 with histidine.
Molecular consequence: missense variant.
Genome position (GRCh38, 1-based): chr17:5,530,675, C>T on the plus strand (G>A on the coding strand, the complement: NLRP1 is on the minus strand). VCF-style: chr17-5530675-C-T. GRCh37 (hg19) VCF-style: chr17-5433995-C-T.
Other names: c.3338G>A, p.Arg1113His (NM_001033053.3); c.3326G>A, p.Arg1109His (NM_014922.5); c.3236G>A, p.Arg1079His (NM_033006.4, NM_033007.4); c.3326G>A (NM_033004.3); short protein forms R1079H, R1109H, R1113H.
Identifiers: ClinVar variation 1399639 (VCV001399639.9), dbSNP rs532221052, ClinGen allele CA8326854.

ClinVar aggregate classification (germline): Conflicting classifications of pathogenicity. Review status: criteria provided, conflicting classifications (1 of 4 stars). 2 submissions from 2 submitters: Uncertain significance (1); Likely benign (1). Last evaluated 2026-01-07.

Conditions:
Inborn genetic diseases. Identifiers: MedGen C0950123, MeSH D030342.

Allele frequency attached by ClinVar (database versions not stated): gnomAD exomes 0.00001; TOPMed 0.00003; 1000 Genomes Project 30x 0.00016; 1000 Genomes Project 0.00020; ExAC 0.00002; gnomAD 0.00003.
gnomAD v4.1: 20 of 1,614,086 alleles (0.0012%); highest among the groups gnomAD compares: African/African-American, 0.004%; no homozygotes.

Submissions (2):

Labcorp Genetics (formerly Invitae), Labcorp
Classification: Uncertain significance. Last evaluated: 2026-01-07. Review status: criteria provided, single submitter. Criteria: Invitae Variant Classification Sherloc (09022015). Collection method: clinical testing. Allele origin: germline.
Comment: This sequence change replaces arginine, which is basic and polar, with histidine, which is basic and polar, at codon 1109 of the NLRP1 protein (p.Arg1109His). This variant is present in population databases (rs532221052, gnomAD 0.003%). This variant has not been reported in the literature in individuals affected with NLRP1-related conditions. ClinVar contains an entry for this variant (Variation ID: 1399639). An algorithm developed to predict the effect of missense changes on protein structure and function outputs the following: PolyPhen-2: "Benign". The histidine amino acid residue is found in multiple mammalian species, which suggests that this missense change does not adversely affect protein function. In summary, the available evidence is currently insufficient to determine the role of this variant in disease. Therefore, it has been classified as a Variant of Uncertain Significance.

Ambry Genetics
Classification: Likely benign for Inborn genetic diseases. Last evaluated: 2022-10-04. Review status: criteria provided, single submitter. Criteria: Ambry Variant Classification Scheme 2023. Collection method: clinical testing. Allele origin: germline.